The following is an entry in ClinVar:

ClinVar aggregate classification (germline): Uncertain significance (1 of 4 stars; one submission).

Allele frequency attached by ClinVar (database versions not stated): TOPMed 0.00001; gnomAD 0.00003.
gnomAD v4.1: 8 of 1,611,878 alleles (0.0005%); highest among the groups gnomAD compares: African/African-American, 0.0053%; no homozygotes.

Submission:

Labcorp Genetics (formerly Invitae), Labcorp
Classification: Uncertain significance. Last evaluated: 2022-06-03. Review status: criteria provided, single submitter. Criteria: Invitae Variant Classification Sherloc (09022015). Collection method: clinical testing. Allele origin: germline.
Comment: This sequence change replaces leucine, which is neutral and non-polar, with isoleucine, which is neutral and non-polar, at codon 409 of the FERMT1 protein (p.Leu409Ile). This variant is present in population databases (rs768269556, gnomAD 0.008%). This variant has not been reported in the literature in individuals affected with FERMT1-related conditions. ClinVar contains an entry for this variant (Variation ID: 1363901). Algorithms developed to predict the effect of missense changes on protein structure and function (SIFT, PolyPhen-2, Align-GVGD) all suggest that this variant is likely to be tolerated. In summary, the available evidence is currently insufficient to determine the role of this variant in disease. Therefore, it has been classified as a Variant of Uncertain Significance.

NM_017671.5(FERMT1):c.1225C>A (p.Leu409Ile)

Gene: FERMT1 (FERM domain containing kindlin 1; minus strand). Cytogenetic location: 20p12.3.
Variant type: single nucleotide variant.
Coding change: c.1225C>A on transcript NM_017671.5 (MANE Select); coding-DNA position 1225, C replaced by A.
Protein change: p.Leu409Ile; replaces leucine 409 with isoleucine.
Molecular consequence: missense variant.
Genome position (GRCh38, 1-based): chr20:6,089,004, G>T on the plus strand (C>A on the coding strand, the complement: FERMT1 is on the minus strand). VCF-style: chr20-6089004-G-T. GRCh37 (hg19) VCF-style: chr20-6069651-G-T.
Other names: short protein forms L409I.
Identifiers: ClinVar variation 1363901 (VCV001363901.6), dbSNP rs768269556, ClinGen allele CA9758214.